The following is an entry in ClinVar:

ClinVar aggregate classification (germline): Likely benign (0 of 4 stars; one submission).

Conditions:
POU4F3-related disorder. Also called: POU4F3-related condition.

Submission:

PreventionGenetics, part of Exact Sciences
Classification: Likely benign for POU4F3-related condition. Last evaluated: 2024-09-11. Review status: no assertion criteria provided. Collection method: clinical testing. Allele origin: germline.
Comment: This variant is classified as likely benign based on ACMG/AMP sequence variant interpretation guidelines (Richards et al. 2015 PMID: 25741868, with internal and published modifications).

NM_002700.3(POU4F3):c.66C>T (p.Ser22=)

Genes: POU4F3 (POU class 4 homeobox 3; plus strand), LOC127814297 (RBM27-POU4F3; plus strand). Cytogenetic location: 5q32.
Variant type: single nucleotide variant.
Coding change: c.66C>T on transcript NM_002700.3 (MANE Select); coding-DNA position 66, C replaced by T.
Protein change: p.Ser22=; no amino-acid change (serine 22 retained).
Molecular consequence: synonymous variant. On other transcripts: nonsense (1).
Genome position (GRCh38, 1-based): chr5:146,339,178, C>T. VCF-style: chr5-146339178-C-T. GRCh37 (hg19) VCF-style: chr5-145718741-C-T.
Other names: c.2899C>T, p.Gln967Ter (NM_001414499.1); short protein forms Q967*.
Identifiers: ClinVar variation 3354759 (VCV003354759.1).